The following is an entry in ClinVar:

NM_020738.4(KIDINS220):c.56C>T (p.Pro19Leu)

Gene: KIDINS220 (kinase D interacting substrate 220; minus strand). Cytogenetic location: 2p25.1.
Variant type: single nucleotide variant.
Coding change: c.56C>T on transcript NM_020738.4 (MANE Select); coding-DNA position 56, C replaced by T.
Protein change: p.Pro19Leu; replaces proline 19 with leucine.
Molecular consequence: missense variant. On other transcripts: 5 prime UTR variant (1), non-coding transcript variant (2).
Genome position (GRCh38, 1-based): chr2:8,827,038, G>A on the plus strand (C>T on the coding strand, the complement: KIDINS220 is on the minus strand). VCF-style: chr2-8827038-G-A. GRCh37 (hg19) VCF-style: chr2-8967168-G-A.
Other names: c.56C>T, p.Pro19Leu (NM_001348729.2, NM_001348731.2, NM_001348732.2 and 9 more transcripts); c.-242C>T (NM_001348736.2); short protein forms P19L.
Identifiers: ClinVar variation 2628746 (VCV002628746.2), dbSNP rs2528402491, ClinGen allele CA345775436.
Genomic context (GRCh38, chr2:8,827,038, plus strand): 5'-GGTCTTACCTCATTTCTCTCATCTACATCTTTGCATTTTTCAAGAAGAGCTTTCAGAGCA[G>A]GAATGTTTTCTTCCTCTACATAATTTATGACGCTCTGTGATATCAAAACTGACATTTTCA-3'
Protein context (NP_065789.1, residues 9-29): VINYVEEENI[Pro19Leu]ALKALLEKCK

ClinVar aggregate classification (germline): Uncertain significance (1 of 4 stars; one submission).

Conditions:
KIDINS220-related disorder. Also called: KIDINS220-related condition.

Allele frequency attached by ClinVar (database versions not stated): gnomAD exomes below 0.00001.

Submission:

PreventionGenetics, part of Exact Sciences
Classification: Uncertain significance for KIDINS220-related condition. Last evaluated: 2025-11-18. Review status: criteria provided, single submitter. Criteria: ACMG Guidelines, 2015. Collection method: clinical testing. Allele origin: germline.
Comment: The KIDINS220 c.56C>T variant is predicted to result in the amino acid substitution p.Pro19Leu. To our knowledge, this variant has not been reported in the literature or in a large population database, indicating this variant is rare. At this time, the clinical significance of this variant is uncertain due to the absence of conclusive functional and genetic evidence.